The following is an entry in ClinVar:

NM_022455.5(NSD1):c.2778G>T (p.Arg926=)

Gene: NSD1 (nuclear receptor binding SET domain protein 1; plus strand). Cytogenetic location: 5q35.3.
Variant type: single nucleotide variant.
Coding change: c.2778G>T on transcript NM_022455.5 (MANE Select); coding-DNA position 2778, G replaced by T.
Protein change: p.Arg926=; no amino-acid change (arginine 926 retained).
Molecular consequence: synonymous variant.
Genome position (GRCh38, 1-based): chr5:177,211,177, G>T. VCF-style: chr5-177211177-G-T. GRCh37 (hg19) VCF-style: chr5-176638178-G-T.
Other names: c.1905G>T, p.Arg635= (NM_001365684.2, NM_001409306.1, NM_001409307.1 and 3 more transcripts); c.2778G>T, p.Arg926= (NM_001409301.1, NM_001409302.1, NM_001409303.1); c.2358G>T, p.Arg786= (NM_001409304.1); c.2025G>T, p.Arg675= (NM_001409305.1).
Identifiers: ClinVar variation 3027256 (VCV003027256.22), dbSNP rs2149846218, ClinGen allele CA447960502.

ClinVar aggregate classification (germline): Likely benign (1 of 4 stars; one submission).

Submission:

CeGaT Center for Human Genetics Tuebingen
Classification: Likely benign. Last evaluated: 2024-02-01. Review status: criteria provided, single submitter. Criteria: CeGaT Center For Human Genetics Tuebingen Variant Classification Criteria Version 2. Collection method: clinical testing. Allele origin: germline. Affected: yes. Observed: 1 variant allele.
Comment: NSD1: PM2:Supporting, BP4, BP7